The following is an entry in ClinVar:

ClinVar aggregate classification (germline): Conflicting classifications of pathogenicity. Review status: criteria provided, conflicting classifications (1 of 4 stars). 2 submissions from 2 submitters: Uncertain significance (1); Likely benign (1). Last evaluated 2023-11-13.

Conditions:
Nemaline myopathy 2 (NEM2). Also called: Nemaline myopathy 2, autosomal recessive. Identifiers: MedGen C1850569, MONDO:0009725, OMIM 256030.

Allele frequency attached by ClinVar (database versions not stated): gnomAD exomes below 0.00001; ExAC 0.00001; gnomAD 0.00001; TOPMed 0.00002.

Submissions (2):

Labcorp Genetics (formerly Invitae), Labcorp
Classification: Likely benign for Nemaline myopathy 2. Last evaluated: 2023-11-13. Review status: criteria provided, single submitter. Criteria: Invitae Variant Classification Sherloc (09022015). Collection method: clinical testing. Allele origin: germline.

GeneDx
Classification: Uncertain significance. Last evaluated: 2019-07-08. Review status: criteria provided, single submitter. Criteria: GeneDx Variant Classification Process June 2021. Collection method: clinical testing. Allele origin: germline. Affected: yes.
Comment: Not observed at a significant frequency in large population cohorts (Lek et al., 2016); In silico analysis, which includes protein predictors and evolutionary conservation, supports a deleterious effect; Has not been previously published as pathogenic or benign to our knowledge

NM_001164508.2(NEB):c.3995A>G (p.Tyr1332Cys)

Gene: NEB (nebulin; minus strand). Cytogenetic location: 2q23.3.
Variant type: single nucleotide variant.
Coding change: c.3995A>G on transcript NM_001164508.2 (MANE Select); coding-DNA position 3995, A replaced by G.
Protein change: p.Tyr1332Cys; replaces tyrosine 1332 with cysteine.
Molecular consequence: missense variant.
Genome position (GRCh38, 1-based): chr2:151,672,673, T>C on the plus strand (A>G on the coding strand, the complement: NEB is on the minus strand). VCF-style: chr2-151672673-T-C. GRCh37 (hg19) VCF-style: chr2-152529187-T-C.
Other names: c.3995A>G, p.Tyr1332Cys (NM_001164507.2, NM_001271208.2, NM_004543.5); short protein forms Y1332C.
Identifiers: ClinVar variation 1306906 (VCV001306906.6), dbSNP rs770929631, ClinGen allele CA1910747.